The following is an entry in ClinVar:

NM_003001.5(SDHC):c.468G>A (p.Leu156=)

Gene: SDHC (succinate dehydrogenase complex subunit C; plus strand). Cytogenetic location: 1q23.3.
Variant type: single nucleotide variant.
Coding change: c.468G>A on transcript NM_003001.5 (MANE Select); coding-DNA position 468, G replaced by A.
Protein change: p.Leu156=; no amino-acid change (leucine 156 retained).
Molecular consequence: synonymous variant. On other transcripts: missense variant (3), non-coding transcript variant (1).
Genome position (GRCh38, 1-based): chr1:161,362,391, G>A. VCF-style: chr1-161362391-G-A. GRCh37 (hg19) VCF-style: chr1-161332181-G-A.
Other names: c.304G>A, p.Gly102Ser (NM_001035511.3); c.366G>A, p.Leu122= (NM_001035512.3); c.309G>A, p.Leu103= (NM_001035513.3); c.202G>A, p.Gly68Ser (NM_001278172.3); c.588G>A, p.Leu196= (NM_001407115.1); c.411G>A, p.Leu137= (NM_001407116.1); c.405G>A, p.Leu135= (NM_001407117.1); c.360G>A, p.Leu120= (NM_001407118.1); and 2 more; short protein forms G102S, G68S, G83S.
Identifiers: ClinVar variation 3793595 (VCV003793595.2).

ClinVar aggregate classification (germline): Benign/Likely benign. Review status: criteria provided, multiple submitters, no conflicts (2 of 4 stars). 2 submissions from 2 submitters: Benign (1); Likely benign (1). Last evaluated 2025-03-17.

Conditions:
Hereditary cancer-predisposing syndrome. Also called: Tumor predisposition; Neoplastic Syndromes, Hereditary; Hereditary neoplastic syndrome; Hereditary Cancer Syndrome. Identifiers: Orphanet 140162, MedGen C0027672, MeSH D009386, MONDO:0015356.
Pheochromocytoma/paraganglioma syndrome 3. Also called: GLOMUS TUMORS, FAMILIAL, 3; Paragangliomas 3; SDHC-Related Hereditary Paraganglioma-Pheochromocytoma Syndrome (Paragangliomas 3); SDHC-Related Hereditary Paraganglioma-Pheochromocytoma Syndrome. Identifiers: Orphanet 29072, MedGen C1854336, MONDO:0011544, OMIM 605373.

gnomAD v4.1: 5 of 1,613,146 alleles (0.00031%); highest among the groups gnomAD compares: Non-Finnish European, 0.00042%; no homozygotes.

Submissions (2):

Myriad Genetics, Inc.
Classification: Benign for Pheochromocytoma/paraganglioma syndrome 3. Last evaluated: 2025-03-17. Review status: criteria provided, single submitter. Criteria: Myriad Autosomal Dominant, Autosomal Recessive and X-Linked Classification Criteria (2023). Collection method: clinical testing. Allele origin: unknown.
Comment: This variant is considered benign. This variant is a silent/synonymous amino acid change and it is not expected to impact splicing.

Ambry Genetics
Classification: Likely benign for Hereditary cancer-predisposing syndrome. Last evaluated: 2025-02-22. Review status: criteria provided, single submitter. Criteria: Ambry Variant Classification Scheme 2023. Collection method: clinical testing. Allele origin: germline.